The following is an entry in ClinVar:

NM_000277.3(PAH):c.599C>A (p.Thr200Asn)

Gene: PAH (phenylalanine hydroxylase; minus strand). Cytogenetic location: 12q23.2.
Variant type: single nucleotide variant.
Coding change: c.599C>A on transcript NM_000277.3 (MANE Select); coding-DNA position 599, C replaced by A.
Protein change: p.Thr200Asn; replaces threonine 200 with asparagine.
Molecular consequence: missense variant.
Genome position (GRCh38, 1-based): chr12:102,855,243, G>T on the plus strand (C>A on the coding strand, the complement: PAH is on the minus strand). VCF-style: chr12-102855243-G-T. GRCh37 (hg19) VCF-style: chr12-103249021-G-T.
Other names: NM_001354304.2:c.599C>A; c.599C>A, p.Thr200Asn (NM_001354304.2); short protein forms T200N.
Identifiers: ClinVar variation 1693229 (VCV001693229.1), dbSNP rs2136649547, ClinGen allele CA16020825.
Genomic context (GRCh38, chr12:102,855,243, plus strand): 5'-TGGAAGCCACAGTACTTTTCAAGAAGTGGAAAAATGTGATTGTACTCATAGCAAGCATGG[G>T]TTTTATACAAGGACTTCAGAGTCTTGAACACTGTGCCCCATGTTTTCTTTTCTTCCTCCA-3'
Protein context (NP_000268.1, residues 190-210): VFKTLKSLYK[Thr200Asn]HACYEYNHIF

ClinVar aggregate classification (germline): Uncertain significance (3 of 4 stars; one submission).

Conditions:
Phenylketonuria (PKU). Also called: Phenylketonurias; FOLLING DISEASE; Phenylketonuria (PKU); OLIGOPHRENIA PHENYLPYRUVICA. Identifiers: Orphanet 716, MedGen C0031485, MONDO:0009861, OMIM 261600. Disease mechanism: loss of function.

Submission:

ClinGen PAH Variant Curation Expert Panel
Classification: Uncertain significance for Phenylketonuria. Last evaluated: 2020-12-07. Review status: reviewed by expert panel. Criteria: ClinGen PAH ACMG Specifications v1. Collection method: curation. Allele origin: germline. Inheritance: Autosomal recessive inheritance.
Comment: This c.599C>A (p.Thr200Asn) variant in PAH was reported in 1 patient with PAH deficiency referred to as non-PKU HPA (120 - 600uMol/L Phe), detected with pathogenic variant p.Arg243* (PMID: 23357515). Computational evidence for this variant is conflicting; predicted to be damaging (SIFT), disease-causing (MutationTaster) and benign (PolyPhen2). This variant is absent from population databases gnomAD, 1000 Genomes, and ESP. Functional studies have been reported with no major impact on enzyme activity as compared to wild type (PMID: 31208052). In summary, this variant meets criteria to be classified as a variant of uncertain significance for PAH. PAH-specific ACMG/AMP criteria applied: PM2, PM3 supporting, PP4.